The following is an entry in ClinVar:

NM_021008.4(DEAF1):c.997+3G>A

Gene: DEAF1 (DEAF1 transcription factor; minus strand). Cytogenetic location: 11p15.5.
Variant type: single nucleotide variant.
Coding change: c.997+3G>A on transcript NM_021008.4 (MANE Select); 3 bases into the intron after coding-DNA position 997, G replaced by A.
Molecular consequence: intron variant.
Genome position (GRCh38, 1-based): chr11:680,960, C>T on the plus strand (G>A on the coding strand, the complement: DEAF1 is on the minus strand). VCF-style: chr11-680960-C-T. GRCh37 (hg19) VCF-style: chr11-680960-C-T.
Other names: c.271+3G>A (NM_001367390.1, NM_001440885.1, NM_001440887.1 and 1 more transcripts); c.731-1144G>A (NM_001293634.2); c.997+3G>A (NM_001440884.1, NM_001440883.1).
Identifiers: ClinVar variation 2138278 (VCV002138278.4), dbSNP rs200931193, ClinGen allele CA5786372.

ClinVar aggregate classification (germline): Uncertain significance (1 of 4 stars; one submission).

Allele frequency attached by ClinVar (database versions not stated): TOPMed 0.00003; gnomAD 0.00004; gnomAD exomes 0.00004; ExAC 0.00005.
gnomAD v4.1: 65 of 1,614,034 alleles (0.004%); highest among the groups gnomAD compares: Non-Finnish European, 0.0052%; no homozygotes.

Submission:

Labcorp Genetics (formerly Invitae), Labcorp
Classification: Uncertain significance. Last evaluated: 2026-01-05. Review status: criteria provided, single submitter. Criteria: Invitae Variant Classification Sherloc (09022015). Collection method: clinical testing. Allele origin: germline.
Comment: This sequence change falls in intron 7 of the DEAF1 gene. It does not directly change the encoded amino acid sequence of the DEAF1 protein. It affects a nucleotide within the consensus splice site. This variant is present in population databases (rs200931193, gnomAD 0.006%). This variant has not been reported in the literature in individuals affected with DEAF1-related conditions. ClinVar contains an entry for this variant (Variation ID: 2138278). Variants that disrupt the consensus splice site are a relatively common cause of aberrant splicing (PMID: 17576681, 9536098). Algorithms developed to predict the effect of sequence changes on RNA splicing suggest that this variant is not likely to affect RNA splicing. In summary, the available evidence is currently insufficient to determine the role of this variant in disease. Therefore, it has been classified as a Variant of Uncertain Significance.

Literature cited by the submitters: PubMed 17576681; PubMed 9536098.